The following is an entry in ClinVar:

NM_181453.4(GCC2):c.1602C>T (p.Leu534=)

Gene: GCC2 (GRIP and coiled-coil domain containing 2; plus strand). Cytogenetic location: 2q12.3.
Variant type: single nucleotide variant.
Coding change: c.1602C>T on transcript NM_181453.4 (MANE Select); coding-DNA position 1602, C replaced by T.
Protein change: p.Leu534=; no amino-acid change (leucine 534 retained).
Molecular consequence: synonymous variant.
Genome position (GRCh38, 1-based): chr2:108,470,931, C>T. VCF-style: chr2-108470931-C-T. GRCh37 (hg19) VCF-style: chr2-109087387-C-T.
Other names: c.1299C>T, p.Leu433= (NM_001410194.1, NM_014635.3).
Identifiers: ClinVar variation 3044083 (VCV003044083.2), dbSNP rs540949615, ClinGen allele CA1820556.

ClinVar aggregate classification (germline): Likely benign (0 of 4 stars; one submission).

Conditions:
GCC2-related disorder. Also called: GCC2-related condition.

Allele frequency attached by ClinVar (database versions not stated): TOPMed 0.00001; gnomAD 0.00003; ExAC 0.00005; 1000 Genomes Project 30x 0.00031; 1000 Genomes Project 0.00040.
gnomAD v4.1: 33 of 1,613,262 alleles (0.002%); highest among the groups gnomAD compares: East Asian, 0.033%; no homozygotes.

Submission:

PreventionGenetics, part of Exact Sciences
Classification: Likely benign for GCC2-related condition. Last evaluated: 2019-05-28. Review status: no assertion criteria provided. Collection method: clinical testing. Allele origin: germline.
Comment: This variant is classified as likely benign based on ACMG/AMP sequence variant interpretation guidelines (Richards et al. 2015 PMID: 25741868, with internal and published modifications).